The following is an entry in ClinVar:

ClinVar aggregate classification (germline): Uncertain significance (1 of 4 stars; one submission).

Conditions:
Arterial tortuosity syndrome (ATORS). Identifiers: Orphanet 3342, MedGen C1859726, MONDO:0008818, OMIM 208050.

Allele frequency attached by ClinVar (database versions not stated): gnomAD exomes below 0.00001; TOPMed below 0.00001; gnomAD 0.00001; 1000 Genomes Project 30x 0.00016.
gnomAD v4.1: 5 of 1,614,174 alleles (0.00031%); highest among the groups gnomAD compares: African/African-American, 0.0067%; no homozygotes.

Submission:

Labcorp Genetics (formerly Invitae), Labcorp
Classification: Uncertain significance for Arterial tortuosity syndrome. Last evaluated: 2016-08-24. Review status: criteria provided, single submitter. Criteria: Invitae Variant Classification Sherloc (09022015). Collection method: clinical testing. Allele origin: germline.
Comment: In summary, this variant is a novel missense change that is not predicted to affect protein function. There is no indication that it causes disease, but the available evidence is currently insufficient to prove that conclusively. Therefore, it has been classified as a Variant of Uncertain Significance. Algorithms developed to predict the effect of missense changes on protein structure and function (SIFT, PolyPhen-2, Align-GVGD) all suggest that this variant is likely to be tolerated, but these predictions have not been confirmed by published functional studies. This variant is not present in population databases (ExAC no frequency) and has not been reported in the literature in individuals with a SLC2A10-related disease. This sequence change replaces alanine with threonine at codon 173 of the SLC2A10 protein (p.Ala173Thr). The alanine residue is highly conserved and there is a small physicochemical difference between alanine and threonine.

NM_030777.4(SLC2A10):c.517G>A (p.Ala173Thr)

Gene: SLC2A10 (solute carrier family 2 member 10; plus strand). Cytogenetic location: 20q13.12.
Variant type: single nucleotide variant.
Coding change: c.517G>A on transcript NM_030777.4 (MANE Select); coding-DNA position 517, G replaced by A.
Protein change: p.Ala173Thr; replaces alanine 173 with threonine.
Molecular consequence: missense variant.
Genome position (GRCh38, 1-based): chr20:46,725,553, G>A. VCF-style: chr20-46725553-G-A. GRCh37 (hg19) VCF-style: chr20-45354192-G-A.
Other names: short protein forms A173T.
Identifiers: ClinVar variation 409251 (VCV000409251.9), dbSNP rs1060502312, ClinGen allele CA16616241.